The following is an entry in ClinVar:

ClinVar aggregate classification (germline): not provided (0 of 4 stars; one submission).

Allele frequency attached by ClinVar (database versions not stated): gnomAD exomes 0.00004 and 0.00007; ExAC 0.00005; gnomAD 0.00009; TOPMed 0.00010; 1000 Genomes Project 0.00020; 1000 Genomes Project 30x 0.00031.
gnomAD v4.1: 107 of 1,536,738 alleles (0.007%); highest among the groups gnomAD compares: Admixed American, 0.01%; no homozygotes.

Submission:

ITMI
No classification provided. Condition: AllHighlyPenetrant. Last evaluated: 2013-09-19. Review status: no classification provided. Collection method: reference population. Allele origin: germline.
Comment: Please see associated publication for description of ethnicities

Literature cited by the submitters: PubMed 24728327.

NM_004119.3(FLT3):c.452A>G (p.Asn151Ser)

Gene: FLT3 (fms related receptor tyrosine kinase 3; minus strand). Cytogenetic location: 13q12.2.
Variant type: single nucleotide variant.
Coding change: c.452A>G on transcript NM_004119.3 (MANE Select); coding-DNA position 452, A replaced by G.
Protein change: p.Asn151Ser; replaces asparagine 151 with serine.
Molecular consequence: missense variant. On other transcripts: non-coding transcript variant (1).
Genome position (GRCh38, 1-based): chr13:28,057,379, T>C on the plus strand (A>G on the coding strand, the complement: FLT3 is on the minus strand). VCF-style: chr13-28057379-T-C. GRCh37 (hg19) VCF-style: chr13-28631516-T-C.
Other names: short protein forms N151S.
Identifiers: ClinVar variation 134444 (VCV000134444.1), dbSNP rs560052209, ClinGen allele CA159837.